The following is an entry in ClinVar:

ClinVar aggregate classification (germline): Uncertain significance (1 of 4 stars; one submission).

Conditions:
Kabuki syndrome 1 (KABUK1). Also called: KMT2D-Related Kabuki Syndrome. Identifiers: Orphanet 2322, MedGen CN030661, MONDO:0007843, OMIM 147920.

Submission:

MGZ Medical Genetics Center
Classification: Uncertain significance for Kabuki syndrome 1. Last evaluated: 2022-07-27. Review status: criteria provided, single submitter. Criteria: ACMG Guidelines, 2015. Collection method: clinical testing. Allele origin: germline. Affected: yes. Observed: 1 variant allele.
Comment: ACMG criteria applied: PM2_SUP, PP2

NM_003482.4(KMT2D):c.10357C>G (p.Gln3453Glu)

Gene: KMT2D (lysine methyltransferase 2D; minus strand). Cytogenetic location: 12q13.12.
Variant type: single nucleotide variant.
Coding change: c.10357C>G on transcript NM_003482.4 (MANE Select); coding-DNA position 10357, C replaced by G.
Protein change: p.Gln3453Glu; replaces glutamine 3453 with glutamic acid.
Molecular consequence: missense variant.
Genome position (GRCh38, 1-based): chr12:49,034,665, G>C on the plus strand (C>G on the coding strand, the complement: KMT2D is on the minus strand). VCF-style: chr12-49034665-G-C. GRCh37 (hg19) VCF-style: chr12-49428448-G-C.
Other names: short protein forms Q3453E.
Identifiers: ClinVar variation 1709675 (VCV001709675.2), dbSNP rs1943129966, ClinGen allele CA384729356.
Genomic context (GRCh38, chr12:49,034,665, plus strand): 5'-GGTTCTGCAGATCACTGCTAGGTCCCCCCGAGAGCCTCTGGGCTAGCAGAGACACTTGCT[G>C]TCTGGAGTCCACCAAAGCACAGAAGATAAGTGTTGGCAATAAGAAAGTTGGAAAGCAAAG-3'
Protein context (NP_003473.3, residues 3443-3463): SIGVAPGMNR[Gln3453Glu]QVSLLAQRLS